The following is an entry in ClinVar:

ClinVar aggregate classification (germline): Uncertain significance (1 of 4 stars; one submission).

Conditions:
Inborn genetic diseases. Identifiers: MedGen C0950123, MeSH D030342.

Allele frequency attached by ClinVar (database versions not stated): TOPMed below 0.00001; gnomAD 0.00001.
gnomAD v4.1: 8 of 1,614,054 alleles (0.0005%); highest among the groups gnomAD compares: Non-Finnish European, 0.00068%; no homozygotes.

Submission:

Ambry Genetics
Classification: Uncertain significance for Inborn genetic diseases. Last evaluated: 2024-02-26. Review status: criteria provided, single submitter. Criteria: Ambry Variant Classification Scheme 2023. Collection method: clinical testing. Allele origin: germline.
Comment: The p.F604V variant (also known as c.1810T>G), located in coding exon 12 of the F5 gene, results from a T to G substitution at nucleotide position 1810. The phenylalanine at codon 604 is replaced by valine, an amino acid with highly similar properties. This amino acid position is conserved. In addition, the in silico prediction for this alteration is inconclusive. Based on the available evidence, the clinical significance of this alteration remains unclear.

NM_000130.5(F5):c.1810T>G (p.Phe604Val)

Gene: F5 (coagulation factor V; minus strand). Cytogenetic location: 1q24.2.
Variant type: single nucleotide variant.
Coding change: c.1810T>G on transcript NM_000130.5 (MANE Select); coding-DNA position 1810, T replaced by G.
Protein change: p.Phe604Val; replaces phenylalanine 604 with valine.
Molecular consequence: missense variant.
Genome position (GRCh38, 1-based): chr1:169,544,461, A>C on the plus strand (T>G on the coding strand, the complement: F5 is on the minus strand). VCF-style: chr1-169544461-A-C. GRCh37 (hg19) VCF-style: chr1-169513699-A-C.
Other names: short protein forms F604V.
Identifiers: ClinVar variation 3230344 (VCV003230344.1), dbSNP rs1361894720, ClinGen allele CA343122922.